The following is an entry in ClinVar:

NM_002907.4(RECQL):c.17C>G (p.Ala6Gly)

Gene: RECQL (RecQ like helicase; minus strand). Cytogenetic location: 12p12.1.
Variant type: single nucleotide variant.
Coding change: c.17C>G on transcript NM_002907.4 (MANE Select); coding-DNA position 17, C replaced by G.
Protein change: p.Ala6Gly; replaces alanine 6 with glycine.
Molecular consequence: missense variant.
Genome position (GRCh38, 1-based): chr12:21,491,716, G>C on the plus strand (C>G on the coding strand, the complement: RECQL is on the minus strand). VCF-style: chr12-21491716-G-C. GRCh37 (hg19) VCF-style: chr12-21644650-G-C.
Other names: c.17C>G, p.Ala6Gly (NM_032941.3); short protein forms A6G.
Identifiers: ClinVar variation 3787897 (VCV003787897.1).

ClinVar aggregate classification (germline): Uncertain significance (1 of 4 stars; one submission).

Submission:

Ambry Genetics
Classification: Uncertain significance. Last evaluated: 2025-02-03. Review status: criteria provided, single submitter. Criteria: Ambry Variant Classification Scheme 2023. Collection method: clinical testing. Allele origin: germline.
Comment: The p.A6G variant (also known as c.17C>G) is located in coding exon 2 of the RECQL gene. The alanine at codon 6 is replaced by glycine, an amino acid with similar properties. This change occurs in the first base pair of coding exon 2. This amino acid position is conserved. In addition, this alteration is predicted to be tolerated by in silico analysis. Based on the available evidence, the clinical significance of this variant remains unclear.